The following is an entry in ClinVar:

ClinVar aggregate classification (germline): Uncertain significance (1 of 4 stars; one submission).

Conditions:
Dystonia 12 (DYT12). Also called: DYT-ATP1A3; Rapid-Onset Dystonia-Parkinsonism (RDP). Identifiers: Orphanet 71517, MedGen C1868681, MONDO:0007496, OMIM 128235.

Submission:

Labcorp Genetics (formerly Invitae), Labcorp
Classification: Uncertain significance for Dystonia 12. Last evaluated: 2025-10-02. Review status: criteria provided, single submitter. Criteria: Invitae Variant Classification Sherloc (09022015). Collection method: clinical testing. Allele origin: germline.
Comment: This sequence change replaces phenylalanine, which is neutral and non-polar, with leucine, which is neutral and non-polar, at codon 575 of the ATP1A3 protein (p.Phe575Leu). This variant is not present in population databases (gnomAD no frequency). This variant has not been reported in the literature in individuals affected with ATP1A3-related conditions. Invitae Evidence Modeling of protein sequence and biophysical properties (such as structural, functional, and spatial information, amino acid conservation, physicochemical variation, residue mobility, and thermodynamic stability) indicates that this missense variant is expected to disrupt ATP1A3 protein function with a positive predictive value of 80%. In summary, the available evidence is currently insufficient to determine the role of this variant in disease. Therefore, it has been classified as a Variant of Uncertain Significance.

NM_152296.5(ATP1A3):c.1723T>C (p.Phe575Leu)

Gene: ATP1A3 (ATPase Na+/K+ transporting subunit alpha 3; minus strand). Cytogenetic location: 19q13.2.
Variant type: single nucleotide variant.
Coding change: c.1723T>C on transcript NM_152296.5 (MANE Select); coding-DNA position 1723, T replaced by C.
Protein change: p.Phe575Leu; replaces phenylalanine 575 with leucine.
Molecular consequence: missense variant.
Genome position (GRCh38, 1-based): chr19:41,978,234, A>G on the plus strand (T>C on the coding strand, the complement: ATP1A3 is on the minus strand). VCF-style: chr19-41978234-A-G. GRCh37 (hg19) VCF-style: chr19-42482386-A-G.
Other names: c.1756T>C, p.Phe586Leu (NM_001256213.2); c.1762T>C, p.Phe588Leu (NM_001256214.2); short protein forms F575L, F586L, F588L.
Identifiers: ClinVar variation 4802152 (VCV004802152.1).
Genomic context (GRCh38, chr19:41,978,234, plus strand): 5'-TGCCCACCGCGTCAGGGACGGCTGCCCGGGGTGGGTCGATCATGGACATGAGGCCCACAA[A>G]GCAGAGGTTGTCCGTGGTGAAGTTCACGTCATCACAGTCGAAGGCAAAGCCCTTGGGGAA-3'
Protein context (NP_689509.1, residues 565-585): DVNFTTDNLC[Phe575Leu]VGLMSMIDPP